The following is an entry in ClinVar:

ClinVar aggregate classification (germline): Likely benign. Review status: criteria provided, multiple submitters, no conflicts (2 of 4 stars). 5 submissions from 5 submitters: Likely benign (4). 1 of the submissions does not count toward it. Last evaluated 2026-01-01.

Conditions:
CUL4B-related disorder. Also called: CUL4B-related condition.
X-linked intellectual disability Cabezas type (MRXSC). Also called: MENTAL RETARDATION, X-LINKED, SYNDROMIC 15; CABEZAS SYNDROME; Intellectual developmental disorder, X-linked syndromic, Cabezas type. Identifiers: Orphanet 85289, Orphanet 85293, MedGen C1845861, MONDO:0010306, OMIM 300354.

Submissions (5):

CeGaT Center for Human Genetics Tuebingen
Classification: Likely benign. Last evaluated: 2026-01-01. Review status: criteria provided, single submitter. Criteria: CeGaT Center For Human Genetics Tuebingen Variant Classification Criteria Version 2. Collection method: clinical testing. Allele origin: germline. Affected: yes. Observed: 1 variant allele.
Comment: CUL4B: BP3

Labcorp Genetics (formerly Invitae), Labcorp
Classification: Likely benign for X-linked intellectual disability Cabezas type. Last evaluated: 2025-08-03. Review status: criteria provided, single submitter. Criteria: Invitae Variant Classification Sherloc (09022015). Collection method: clinical testing. Allele origin: germline.

Blueprint Genetics
Classification: Likely benign. Last evaluated: 2024-11-25. Review status: criteria provided, single submitter. Criteria: ACMG Guidelines, 2015. Collection method: clinical testing. Allele origin: germline.

GeneDx
Classification: Likely benign. Last evaluated: 2021-05-07. Review status: criteria provided, single submitter. Criteria: GeneDx Variant Classification Process June 2021. Collection method: clinical testing. Allele origin: germline. Affected: yes.

PreventionGenetics, part of Exact Sciences
Classification: Likely benign for CUL4B-related condition. Last evaluated: 2021-03-16. Review status: no assertion criteria provided. Collection method: clinical testing. Allele origin: germline. Not counted in ClinVar's aggregate classification.
Comment: This variant is classified as likely benign based on ACMG/AMP sequence variant interpretation guidelines (Richards et al. 2015 PMID: 25741868, with internal and published modifications).

NM_001079872.2(CUL4B):c.360CTC[5] (p.Ser128del)

Genes: CUL4B (cullin 4B; minus strand), LOC113845788 (Sharpr-MPRA regulatory region 11856; plus strand). Cytogenetic location: Xq24.
Variant type: Microsatellite.
Coding change: c.360CTC[5] on transcript NM_001079872.2 (MANE Select); five copies in a row of the 3-base unit CTC starting at c.360; the reference has six copies in a row; one copy, 3 bases deleted.
Protein change: p.Ser128del; deletes serine 128.
Molecular consequence: inframe deletion.
Genome position (GRCh38, 1-based): chrX:120,560,262-120,560,264, GAG deleted on the plus strand (CTC on the coding strand, the reverse complement: CUL4B is on the minus strand); deleting any 3 consecutive bases within chrX:120,560,262-120,560,281 gives the same sequence; the position shown is the placement nearest the transcript's 3' end. VCF-style (leftmost placement, unchanged base first): chrX-120560261-TGAG-T. GRCh37 (hg19) VCF-style: chrX-119694116-TGAG-T.
Other names: c.375CTC[5], p.Ser133del (NM_001330624.2); c.414CTC[5], p.Ser146del (NM_003588.4); c.429_431delCTC (NM_003588.3); short protein forms S146del, S128del, S133del.
Identifiers: ClinVar variation 418570 (VCV000418570.19), dbSNP rs754330779, ClinGen allele CA10505700.